The following is an entry in ClinVar:

NM_020937.4(FANCM):c.1364A>C (p.Glu455Ala)

Gene: FANCM (FA complementation group M; plus strand). Cytogenetic location: 14q21.2.
Variant type: single nucleotide variant.
Coding change: c.1364A>C on transcript NM_020937.4 (MANE Select); coding-DNA position 1364, A replaced by C.
Protein change: p.Glu455Ala; replaces glutamic acid 455 with alanine.
Molecular consequence: missense variant.
Genome position (GRCh38, 1-based): chr14:45,155,427, A>C. VCF-style: chr14-45155427-A-C. GRCh37 (hg19) VCF-style: chr14-45624630-A-C.
Other names: c.1364A>C (NM_020937.2); c.1286A>C, p.Glu429Ala (NM_001308133.2); c.1364A>C, p.Glu455Ala (NM_001308134.2); short protein forms E429A, E455A.
Identifiers: ClinVar variation 1009690 (VCV001009690.7), dbSNP rs889654019, ClinGen allele CA259617034.
Genomic context (GRCh38, chr14:45,155,427, plus strand): 5'-TTCCAGGAGATAAAAATAAAAAATTTGTTTATAGTCATCCAAAGTTAAAGAAATTAGAAG[A>C]AGTTGTAATTGAACACTTCAAGTCATGGAATGGTAGGTCATATTTAGTAGCTTTAAGGCA-3'
Protein context (NP_065988.1, residues 445-465): YSHPKLKKLE[Glu455Ala]VVIEHFKSWN

ClinVar aggregate classification (germline): Uncertain significance. Review status: criteria provided, multiple submitters, no conflicts (2 of 4 stars). 2 submissions from 2 submitters: Uncertain significance (2). Last evaluated 2026-03-10.

Conditions:
Fanconi anemia (FA). Also called: Fanconi's anemia. Identifiers: Orphanet 84, MedGen C0015625, MeSH D005199, MONDO:0019391.
Inborn genetic diseases. Identifiers: MedGen C0950123, MeSH D030342.

Submissions (2):

Ambry Genetics
Classification: Uncertain significance for Inborn genetic diseases. Last evaluated: 2026-03-10. Review status: criteria provided, single submitter. Criteria: Ambry Variant Classification Scheme 2023. Collection method: clinical testing. Allele origin: germline.
Comment: The p.E455A variant (also known as c.1364A>C), located in coding exon 8 of the FANCM gene, results from an A to C substitution at nucleotide position 1364. The glutamic acid at codon 455 is replaced by alanine, an amino acid with dissimilar properties. This amino acid position is conserved. In addition, this alteration is predicted to be tolerated by in silico analysis. Based on the available evidence, the clinical significance of this variant remains unclear.

Labcorp Genetics (formerly Invitae), Labcorp
Classification: Uncertain significance for Fanconi anemia. Last evaluated: 2025-12-06. Review status: criteria provided, single submitter. Criteria: Invitae Variant Classification Sherloc (09022015). Collection method: clinical testing. Allele origin: germline.
Comment: This sequence change replaces glutamic acid, which is acidic and polar, with alanine, which is neutral and non-polar, at codon 455 of the FANCM protein (p.Glu455Ala). This variant is not present in population databases (gnomAD no frequency). This variant has not been reported in the literature in individuals affected with FANCM-related conditions. ClinVar contains an entry for this variant (Variation ID: 1009690). An algorithm developed to predict the effect of missense changes on protein structure and function (PolyPhen-2) suggests that this variant is likely to be tolerated. Algorithms developed to predict the effect of sequence changes on RNA splicing suggest that this variant may disrupt the consensus splice site. In summary, the available evidence is currently insufficient to determine the role of this variant in disease. Therefore, it has been classified as a Variant of Uncertain Significance.